The following is an entry in ClinVar:

NM_001378454.1(ALMS1):c.10925A>G (p.His3642Arg)

Gene: ALMS1 (ALMS1 centrosome and basal body associated protein; plus strand). Cytogenetic location: 2p13.1.
Variant type: single nucleotide variant.
Coding change: c.10925A>G on transcript NM_001378454.1 (MANE Select); coding-DNA position 10925, A replaced by G.
Protein change: p.His3642Arg; replaces histidine 3642 with arginine.
Molecular consequence: missense variant.
Genome position (GRCh38, 1-based): chr2:73,572,802, A>G. VCF-style: chr2-73572802-A-G. GRCh37 (hg19) VCF-style: chr2-73799929-A-G.
Other names: c.10928A>G, p.His3643Arg (NM_015120.4); short protein forms H3642R, H3643R.
Identifiers: ClinVar variation 1378242 (VCV001378242.6), dbSNP rs1240495775, ClinGen allele CA347286238.
Genomic context (GRCh38, chr2:73,572,802, plus strand): 5'-AACTGTCCTTGGTGGACCGACTTGATCGTTTGGCTAAAATTCTTCAGAATCCAATCACAC[A>G]TTCTCTCCAGGTCTCAGAAAGTACACATGATGATAGCAGAGGGGAACGAAGTGTGAAGGA-3'
Protein context (NP_001365383.1, residues 3632-3652): LAKILQNPIT[His3642Arg]SLQVSESTHD

ClinVar aggregate classification (germline): Uncertain significance. Review status: criteria provided, multiple submitters, no conflicts (2 of 4 stars). 3 submissions from 3 submitters: Uncertain significance (3). Last evaluated 2025-07-16.

Conditions:
Cardiovascular phenotype. Identifiers: MedGen CN230736.
Alstrom syndrome (ALMS). Identifiers: Orphanet 64, MedGen C0268425, MONDO:0008763, OMIM 203800.

Allele frequency attached by ClinVar (database versions not stated): gnomAD exomes below 0.00001 and 0.00001; TOPMed 0.00001.
gnomAD v4.1: 20 of 1,614,102 alleles (0.0012%); highest among the groups gnomAD compares: Non-Finnish European, 0.0017%; no homozygotes.

Submissions (3):

Ambry Genetics
Classification: Uncertain significance for Cardiovascular phenotype. Last evaluated: 2025-07-16. Review status: criteria provided, single submitter. Criteria: Ambry Variant Classification Scheme 2023. Collection method: clinical testing. Allele origin: germline.
Comment: The p.H3643R variant (also known as c.10928A>G), located in coding exon 16 of the ALMS1 gene, results from an A to G substitution at nucleotide position 10928. The histidine at codon 3643 is replaced by arginine, an amino acid with highly similar properties. This amino acid position is not well conserved in available vertebrate species. In addition, the in silico prediction for this alteration is inconclusive. Based on the available evidence, the clinical significance of this variant remains unclear.

Labcorp Genetics (formerly Invitae), Labcorp
Classification: Uncertain significance for Alstrom syndrome. Last evaluated: 2025-05-05. Review status: criteria provided, single submitter. Criteria: Invitae Variant Classification Sherloc (09022015). Collection method: clinical testing. Allele origin: germline.
Comment: This sequence change replaces histidine, which is basic and polar, with arginine, which is basic and polar, at codon 3643 of the ALMS1 protein (p.His3643Arg). This variant is present in population databases (no rsID available, gnomAD 0.0009%). This variant has not been reported in the literature in individuals affected with ALMS1-related conditions. ClinVar contains an entry for this variant (Variation ID: 1378242). Experimental studies and prediction algorithms are not available or were not evaluated, and the functional significance of this variant is currently unknown. In summary, the available evidence is currently insufficient to determine the role of this variant in disease. Therefore, it has been classified as a Variant of Uncertain Significance.

Fulgent Genetics
Classification: Uncertain significance for Alstrom syndrome. Last evaluated: 2022-04-08. Review status: criteria provided, single submitter. Criteria: ACMG Guidelines, 2015. Collection method: clinical testing. Allele origin: unknown.